The following is an entry in ClinVar:

NM_022124.6(CDH23):c.6743G>A (p.Arg2248Gln)

Gene: CDH23 (cadherin related 23; plus strand). Cytogenetic location: 10q22.1.
Variant type: single nucleotide variant.
Coding change: c.6743G>A on transcript NM_022124.6 (MANE Select); coding-DNA position 6743, G replaced by A.
Protein change: p.Arg2248Gln; replaces arginine 2248 with glutamine.
Molecular consequence: missense variant.
Genome position (GRCh38, 1-based): chr10:71,797,134, G>A. VCF-style: chr10-71797134-G-A. GRCh37 (hg19) VCF-style: chr10-73556891-G-A.
Other names: c.23G>A, p.Arg8Gln (NM_001171933.1, NM_001171934.1); c.6743G>A (NM_022124.5); short protein forms R2248Q, R8Q.
Identifiers: ClinVar variation 2176303 (VCV002176303.2), dbSNP rs769048383, ClinGen allele CA5546180.

ClinVar aggregate classification (germline): Uncertain significance. Review status: criteria provided, multiple submitters, no conflicts (2 of 4 stars). 2 submissions from 2 submitters: Uncertain significance (2). Last evaluated 2022-07-02.

gnomAD v4.1: 14 of 1,613,332 alleles (0.00087%); highest among the groups gnomAD compares: Middle Eastern, 0.017%; no homozygotes.

Submissions (2):

Labcorp Genetics (formerly Invitae), Labcorp
Classification: Uncertain significance. Last evaluated: 2022-07-02. Review status: criteria provided, single submitter. Criteria: Invitae Variant Classification Sherloc (09022015). Collection method: clinical testing. Allele origin: germline.
Comment: This sequence change replaces arginine, which is basic and polar, with glutamine, which is neutral and polar, at codon 2248 of the CDH23 protein (p.Arg2248Gln). The frequency data for this variant in the population databases is considered unreliable, as metrics indicate poor data quality at this position in the gnomAD database. This missense change has been observed in individual(s) with deafness (PMID: 29986705). This variant is also known as p.Arg8Gln. Algorithms developed to predict the effect of missense changes on protein structure and function are either unavailable or do not agree on the potential impact of this missense change (SIFT: "Deleterious"; PolyPhen-2: "Not Available"; Align-GVGD: "Class C35"). Algorithms developed to predict the effect of sequence changes on RNA splicing suggest that this variant may create or strengthen a splice site. In summary, the available evidence is currently insufficient to determine the role of this variant in disease. Therefore, it has been classified as a Variant of Uncertain Significance.

Clinical Genetics Laboratory, Skane University Hospital Lund
Classification: Uncertain significance. Last evaluated: 2022-05-27. Review status: criteria provided, single submitter. Criteria: ACMG Guidelines, 2015. Collection method: clinical testing. Allele origin: germline. Affected: yes.

Literature cited by the submitters: PubMed 29986705 (cited by Labcorp Genetics (formerly Invitae), Labcorp).